The following is an entry in ClinVar:

ClinVar aggregate classification (germline): Conflicting classifications of pathogenicity. Review status: criteria provided, conflicting classifications (1 of 4 stars). 2 submissions from 2 submitters: Uncertain significance (1); Likely benign (1). Last evaluated 2025-08-29.

Allele frequency attached by ClinVar (database versions not stated): gnomAD 0.00026.
gnomAD v4.1: 80 of 1,576,450 alleles (0.0051%); highest among the groups gnomAD compares: Admixed American, 0.1%; 1 homozygote.

Submissions (2):

Ambry Genetics
Classification: Uncertain significance. Last evaluated: 2025-08-29. Review status: criteria provided, single submitter. Criteria: Ambry Variant Classification Scheme 2023. Collection method: clinical testing. Allele origin: germline.

CeGaT Center for Human Genetics Tuebingen
Classification: Likely benign. Last evaluated: 2022-09-01. Review status: criteria provided, single submitter. Criteria: CeGaT Center For Human Genetics Tuebingen Variant Classification Criteria Version 2. Collection method: clinical testing. Allele origin: germline. Affected: yes. Observed: 1 variant allele.
Comment: MKI67: BP4

NM_002417.5(MKI67):c.2307G>C (p.Leu769Phe)

Gene: MKI67 (marker of proliferation Ki-67; minus strand). Cytogenetic location: 10q26.2.
Variant type: single nucleotide variant.
Coding change: c.2307G>C on transcript NM_002417.5 (MANE Select); coding-DNA position 2307, G replaced by C.
Protein change: p.Leu769Phe; replaces leucine 769 with phenylalanine.
Molecular consequence: missense variant.
Genome position (GRCh38, 1-based): chr10:128,110,487, C>G on the plus strand (G>C on the coding strand, the complement: MKI67 is on the minus strand). VCF-style: chr10-128110487-C-G. GRCh37 (hg19) VCF-style: chr10-129908751-C-G.
Other names: c.1227G>C, p.Leu409Phe (NM_001145966.2); short protein forms L409F, L769F.
Identifiers: ClinVar variation 2211230 (VCV002211230.27), dbSNP rs776067239, ClinGen allele CA5747246.